The following is an entry in ClinVar:

NM_006206.6(PDGFRA):c.738A>G (p.Gln246=)

Gene: PDGFRA (platelet derived growth factor receptor alpha; plus strand). Cytogenetic location: 4q12.
Variant type: single nucleotide variant.
Coding change: c.738A>G on transcript NM_006206.6 (MANE Select); coding-DNA position 738, A replaced by G.
Protein change: p.Gln246=; no amino-acid change (glutamine 246 retained).
Molecular consequence: synonymous variant.
Genome position (GRCh38, 1-based): chr4:54,265,028, A>G. VCF-style: chr4-54265028-A-G. GRCh37 (hg19) VCF-style: chr4-55131195-A-G.
Other names: c.738A>G, p.Gln246= (NM_001347827.2, NM_001347829.2); c.813A>G, p.Gln271= (NM_001347828.2); c.777A>G, p.Gln259= (NM_001347830.2); c.738A>G (NM_006206.5).
Identifiers: ClinVar variation 240360 (VCV000240360.23), dbSNP rs377699966, ClinGen allele CA2922363.
Genomic context (GRCh38, chr4:54,265,028, plus strand): 5'-GTCAGGGGAAACGATTGTGGTCACCTGTGCTGTTTTTAACAATGAGGTGGTTGACCTTCA[A>G]TGGACTTACCCTGGAGAAGTGGTAGGTACCCTCAAAACGTGCAATGGCTTGGAGCAGAGC-3'
Protein context (NP_006197.1, residues 236-256): AVFNNEVVDL[Gln246=]WTYPGEVKGK

ClinVar aggregate classification (germline): Benign/Likely benign. Review status: criteria provided, multiple submitters, no conflicts (2 of 4 stars). 7 submissions from 7 submitters: Benign (1); Likely benign (6). Last evaluated 2026-06-16.

Conditions:
Polyps, multiple and recurrent inflammatory fibroid, gastrointestinal. Identifiers: MedGen C5193005, MONDO:0008285, OMIM 175510.
PDGFRA-related disorder. Also called: PDGFRA-related condition.
Hereditary cancer-predisposing syndrome. Also called: Neoplastic Syndromes, Hereditary; Hereditary neoplastic syndrome; Hereditary Cancer Syndrome; Tumor predisposition. Identifiers: Orphanet 140162, MedGen C0027672, MeSH D009386, MONDO:0015356.
Gastrointestinal stromal tumor. Also called: Gastrointestinal stromal tumor, somatic; Gastrointestinal stroma tumor. Identifiers: Orphanet 44890, MedGen C0238198, MeSH D046152, MONDO:0011719, OMIM 606764, HP:0100723.

Allele frequency attached by ClinVar (database versions not stated): ExAC 0.00004; gnomAD 0.00008; gnomAD exomes 0.00001 and 0.00003; TOPMed 0.00003.
gnomAD v4.1: 39 of 1,613,786 alleles (0.0024%); highest among the groups gnomAD compares: Admixed American, 0.01%; no homozygotes.

Submissions (7):

Myriad Genetics, Inc.
Classification: Benign for Polyps, multiple and recurrent inflammatory fibroid, gastrointestinal. Last evaluated: 2026-06-16. Review status: criteria provided, single submitter. Criteria: Myriad Autosomal Dominant, Autosomal Recessive and X-Linked Classification Criteria (2023). Collection method: clinical testing. Allele origin: unknown.
Comment: This variant is considered benign. This variant is a silent/synonymous amino acid change and it is not expected to impact splicing.

Labcorp Genetics (formerly Invitae), Labcorp
Classification: Likely benign for Gastrointestinal stromal tumor. Last evaluated: 2026-02-03. Review status: criteria provided, single submitter. Criteria: Invitae Variant Classification Sherloc (09022015). Collection method: clinical testing. Allele origin: germline.

PreventionGenetics, part of Exact Sciences
Classification: Likely benign for PDGFRA-related condition. Last evaluated: 2025-07-05. Review status: criteria provided, single submitter. Criteria: ACMG Guidelines, 2015. Collection method: clinical testing. Allele origin: germline.
Comment: This variant is classified as likely benign based on ACMG/AMP sequence variant interpretation guidelines (Richards et al. 2015 PMID: 25741868, with internal and published modifications).

Blueprint Genetics
Classification: Likely benign. Last evaluated: 2024-10-14. Review status: criteria provided, single submitter. Criteria: ACMG Guidelines, 2015. Collection method: clinical testing. Allele origin: germline.

ARUP Laboratories, Molecular Genetics and Genomics, ARUP Laboratories
Classification: Likely benign. Last evaluated: 2023-05-25. Review status: criteria provided, single submitter. Criteria: ARUP Molecular Germline Variant Investigation Process 2024. Collection method: clinical testing. Allele origin: germline.

Sema4
Classification: Likely benign for Hereditary cancer-predisposing syndrome. Last evaluated: 2021-03-15. Review status: criteria provided, single submitter. Criteria: Sema4 Curation Guidelines. Collection method: curation. Allele origin: germline.

Ambry Genetics
Classification: Likely benign for Hereditary cancer-predisposing syndrome. Last evaluated: 2019-02-19. Review status: criteria provided, single submitter. Criteria: Ambry Variant Classification Scheme 2023. Collection method: clinical testing. Allele origin: germline.